The following is an entry in ClinVar:

ClinVar aggregate classification (germline): Pathogenic/Likely pathogenic. Review status: criteria provided, multiple submitters, no conflicts (2 of 4 stars). 3 submissions from 3 submitters: Pathogenic (2); Likely pathogenic (1). Last evaluated 2024-03-28.

Conditions:
Muscular dystrophy, limb-girdle, autosomal dominant 4. Also called: Calpain-3-related limb-girdle muscular dystrophy D4; MUSCULAR DYSTROPHY, LIMB-GIRDLE, TYPE 1I. Identifiers: Orphanet 565909, MedGen C4748295, MONDO:0029133, OMIM 618129.
Autosomal recessive limb-girdle muscular dystrophy type 2A (LGMDR1). Also called: LEYDEN-MOEBIUS MUSCULAR DYSTROPHY; MUSCULAR DYSTROPHY, PELVOFEMORAL; Limb-girdle muscular dystrophy, type 2A; Calpainopathy; Muscular dystrophy, limb-girdle, type 2A, Amish. Identifiers: Orphanet 267, MedGen C1869123, MONDO:0009675, OMIM 253600. Disease mechanism: loss of function.

Allele frequency attached by ClinVar (database versions not stated): gnomAD exomes below 0.00001; ExAC 0.00001; gnomAD 0.00001.

Submissions (3):

Labcorp Genetics (formerly Invitae), Labcorp
Classification: Pathogenic for Autosomal recessive limb-girdle muscular dystrophy type 2A. Last evaluated: 2024-03-28. Review status: criteria provided, single submitter. Criteria: Invitae Variant Classification Sherloc (09022015). Collection method: clinical testing. Allele origin: germline.
Comment: This sequence change creates a premature translational stop signal (p.Glu285Glyfs*12) in the CAPN3 gene. It is expected to result in an absent or disrupted protein product. Loss-of-function variants in CAPN3 are known to be pathogenic (PMID: 10330340, 15689361). This variant is not present in population databases (gnomAD no frequency). This variant has not been reported in the literature in individuals affected with CAPN3-related conditions. ClinVar contains an entry for this variant (Variation ID: 290732). Algorithms developed to predict the effect of sequence changes on RNA splicing suggest that this variant may disrupt the consensus splice site. For these reasons, this variant has been classified as Pathogenic.

Baylor Genetics
Classification: Likely pathogenic for Muscular dystrophy, limb-girdle, autosomal dominant 4. Last evaluated: 2022-10-31. Review status: criteria provided, single submitter. Criteria: ACMG Guidelines, 2015. Collection method: clinical testing. Allele origin: unknown.

Eurofins Ntd Llc (ga)
Classification: Pathogenic. Last evaluated: 2016-09-07. Review status: criteria provided, single submitter. Criteria: EGL Classification Definitions. Collection method: clinical testing. Allele origin: germline. Observed: 1 variant allele.

Literature cited by the submitters: PubMed 10330340 (cited by Labcorp Genetics (formerly Invitae), Labcorp); PubMed 15689361 (cited by Labcorp Genetics (formerly Invitae), Labcorp).

NM_000070.3(CAPN3):c.853dup (p.Glu285fs)

Gene: CAPN3 (calpain 3; plus strand). Cytogenetic location: 15q15.1.
Variant type: Duplication.
Coding change: c.853dup on transcript NM_000070.3 (MANE Select); coding-DNA position 853, one base duplicated (G; older notation c.853dupG).
Protein change: p.Glu285fs; shifts the reading frame from glutamic acid 285.
Molecular consequence: frameshift variant. On other transcripts: intron variant (1).
Genome position (GRCh38, 1-based): chr15:42,390,004, G duplicated; the last of 5 consecutive G bases (chr15:42,390,000-42,390,004); duplicating any one gives the same sequence. VCF-style (leftmost placement, unchanged base first): chr15-42389999-T-TG. GRCh37 (hg19) VCF-style: chr15-42682197-T-TG.
Other names: c.853dup, p.Glu285fs (NM_024344.2); c.801+908dup (NM_173087.2); short protein forms E285fs.
Identifiers: ClinVar variation 290732 (VCV000290732.12), dbSNP rs761257703, ClinGen allele CA10606892.